The following is an entry in ClinVar:

NM_000390.4(CHM):c.820-8T>G

Gene: CHM (CHM Rab escort protein; minus strand). Cytogenetic location: Xq21.2.
Variant type: single nucleotide variant.
Coding change: c.820-8T>G on transcript NM_000390.4 (MANE Select); 8 bases into the intron before coding-DNA position 820, T replaced by G.
Molecular consequence: intron variant.
Genome position (GRCh38, 1-based): chrX:85,957,983, A>C on the plus strand (T>G on the coding strand, the complement: CHM is on the minus strand). VCF-style: chrX-85957983-A-C. GRCh37 (hg19) VCF-style: chrX-85212988-A-C.
Other names: c.376-8T>G (NM_001362519.1, NM_001362517.1, NM_001320959.1 and 1 more transcripts).
Identifiers: ClinVar variation 1066981 (VCV001066981.9), dbSNP rs2147665924, ClinGen allele CA2499226905.

ClinVar aggregate classification (germline): Likely pathogenic (1 of 4 stars; one submission).

Submission:

Labcorp Genetics (formerly Invitae), Labcorp
Classification: Likely pathogenic. Last evaluated: 2020-01-27. Review status: criteria provided, single submitter. Criteria: Invitae Variant Classification Sherloc (09022015). Collection method: clinical testing. Allele origin: germline.
Comment: This sequence change falls in intron 6 of the CHM gene. It does not directly change the encoded amino acid sequence of the CHM protein. Algorithms developed to predict the effect of sequence changes on RNA splicing suggest that this variant may disrupt the consensus splice site, but this prediction has not been confirmed by published transcriptional studies. This variant is not present in population databases (ExAC no frequency). This variant has been observed to be hemizygous in an individual affected with choroideremia (PMID: 12827496). In summary, the currently available evidence indicates that the variant is pathogenic, but additional data are needed to prove that conclusively. Therefore, this variant has been classified as Likely Pathogenic.

Literature cited by the submitters: PubMed 12827496.